The following is an entry in ClinVar:

ClinVar aggregate classification (germline): Uncertain significance. Review status: criteria provided, multiple submitters, no conflicts (2 of 4 stars). 3 submissions from 3 submitters: Uncertain significance (2). 1 of the submissions does not count toward it. Last evaluated 2024-11-09.

Conditions:
Bloom syndrome (BLM). Also called: Bloom-Torre-Machacek syndrome. Identifiers: Orphanet 125, MedGen C0005859, MONDO:0008876, OMIM 210900.
Hereditary cancer-predisposing syndrome. Also called: Neoplastic Syndromes, Hereditary; Hereditary neoplastic syndrome; Tumor predisposition; Hereditary Cancer Syndrome. Identifiers: Orphanet 140162, MedGen C0027672, MeSH D009386, MONDO:0015356.

Submissions (3):

Ambry Genetics
Classification: Uncertain significance for Hereditary cancer-predisposing syndrome. Last evaluated: 2024-11-09. Review status: criteria provided, single submitter. Criteria: Ambry Variant Classification Scheme 2023. Collection method: clinical testing. Allele origin: germline.
Comment: The p.D564G variant (also known as c.1691A>G), located in coding exon 6 of the BLM gene, results from an A to G substitution at nucleotide position 1691. The aspartic acid at codon 564 is replaced by glycine, an amino acid with similar properties. This amino acid position is conserved. In addition, this alteration is predicted to be tolerated by in silico analysis. Since supporting evidence is limited at this time, the clinical significance of this alteration remains unclear.

Labcorp Genetics (formerly Invitae), Labcorp
Classification: Uncertain significance for Bloom syndrome. Last evaluated: 2024-09-04. Review status: criteria provided, single submitter. Criteria: Invitae Variant Classification Sherloc (09022015). Collection method: clinical testing. Allele origin: germline.
Comment: This sequence change replaces aspartic acid, which is acidic and polar, with glycine, which is neutral and non-polar, at codon 564 of the BLM protein (p.Asp564Gly). This variant is not present in population databases (gnomAD no frequency). This variant has not been reported in the literature in individuals affected with BLM-related conditions. ClinVar contains an entry for this variant (Variation ID: 524766). Invitae Evidence Modeling of protein sequence and biophysical properties (such as structural, functional, and spatial information, amino acid conservation, physicochemical variation, residue mobility, and thermodynamic stability) indicates that this missense variant is not expected to disrupt BLM protein function with a negative predictive value of 80%. In summary, the available evidence is currently insufficient to determine the role of this variant in disease. Therefore, it has been classified as a Variant of Uncertain Significance.

Natera, Inc.
Classification: Uncertain significance for Bloom syndrome. Last evaluated: 2020-09-22. Review status: no assertion criteria provided. Collection method: clinical testing. Allele origin: germline. Not counted in ClinVar's aggregate classification.

NM_000057.4(BLM):c.1691A>G (p.Asp564Gly)

Gene: BLM (BLM RecQ like helicase; plus strand). Cytogenetic location: 15q26.1.
Variant type: single nucleotide variant.
Coding change: c.1691A>G on transcript NM_000057.4 (MANE Select); coding-DNA position 1691, A replaced by G.
Protein change: p.Asp564Gly; replaces aspartic acid 564 with glycine.
Molecular consequence: missense variant.
Genome position (GRCh38, 1-based): chr15:90,761,064, A>G. VCF-style: chr15-90761064-A-G. GRCh37 (hg19) VCF-style: chr15-91304294-A-G.
Other names: c.1691A>G (NM_000057.2); c.1691A>G, p.Asp564Gly (NM_001287246.2, NM_001287247.2); c.566A>G, p.Asp189Gly (NM_001287248.2); short protein forms D564G, D189G.
Identifiers: ClinVar variation 524766 (VCV000524766.14), dbSNP rs1555419944, ClinGen allele CA393843629.